The following is an entry in ClinVar:

ClinVar aggregate classification (germline): Benign (1 of 4 stars; one submission).

Allele frequency attached by ClinVar (database versions not stated): gnomAD exomes 0.13483; TOPMed 0.14790; gnomAD 0.13862; 1000 Genomes Project 30x 0.14850; 1000 Genomes Project 0.14197.

Submission:

GeneDx
Classification: Benign. Last evaluated: 2018-06-19. Review status: criteria provided, single submitter. Criteria: GeneDx Variant Classification (06012015). Collection method: clinical testing. Allele origin: germline. Affected: yes.
Comment: This variant is considered likely benign or benign based on one or more of the following criteria: it is a conservative change, it occurs at a poorly conserved position in the protein, it is predicted to be benign by multiple in silico algorithms, and/or has population frequency not consistent with disease.

NM_018400.3(SCN3B):c.-951C>G

Genes: SCN3B (sodium voltage-gated channel beta subunit 3; minus strand), LOC130006993 (ATAC-STARR-seq lymphoblastoid silent region 4021; plus strand). Cytogenetic location: 11q24.1.
Variant type: single nucleotide variant.
Coding change: c.-951C>G on transcript NM_018400.3; 951 bases upstream of the start codon, C replaced by G.
Genome position (GRCh38, 1-based): chr11:123,654,752, G>C on the plus strand (C>G on the coding strand, the complement: SCN3B is on the minus strand). VCF-style: chr11-123654752-G-C. GRCh37 (hg19) VCF-style: chr11-123525460-G-C.
Identifiers: ClinVar variation 671029 (VCV000671029.3), dbSNP rs12420603, ClinGen allele CA13400876.